The following is an entry in ClinVar:

NM_001244008.2(KIF1A):c.5214+4C>T

Gene: KIF1A (kinesin family member 1A; minus strand). Cytogenetic location: 2q37.3.
Variant type: single nucleotide variant.
Coding change: c.5214+4C>T on transcript NM_001244008.2 (MANE Select); 4 bases into the intron after coding-DNA position 5214, C replaced by T.
Molecular consequence: intron variant.
Genome position (GRCh38, 1-based): chr2:240,719,002, G>A on the plus strand (C>T on the coding strand, the complement: KIF1A is on the minus strand). VCF-style: chr2-240719002-G-A. GRCh37 (hg19) VCF-style: chr2-241658419-G-A.
Other names: c.4911+4C>T (NM_001379653.1, NM_001379650.1, NM_004321.8 and 1 more transcripts); c.5187+4C>T (NM_001379645.1, NM_001379633.1); c.5037+4C>T (NM_001379635.1, NM_001379646.1); c.4908+4C>T (NM_001379640.1); c.4875+40C>T (NM_001379641.1); c.4935+4C>T (NM_001379639.1); c.4938+4C>T (NM_001379649.1, NM_001320705.2); c.5025+4C>T (NM_001379636.1); and 8 more.
Identifiers: ClinVar variation 1383830 (VCV001383830.6), dbSNP rs1173881899, ClinGen allele CA540752752.

ClinVar aggregate classification (germline): Uncertain significance (1 of 4 stars; one submission).

Conditions:
Hereditary spastic paraplegia 30. Identifiers: Orphanet 101010, MedGen C5235139, MONDO:0012476.
Neuropathy, hereditary sensory, type 2C. Also called: Hereditary sensory and autonomic neuropathy type IIC; KIF1A-Related HSAN2 (HSAN2C). Identifiers: Orphanet 970, MedGen C3280168, MONDO:0013634, OMIM 614213.
Intellectual disability, autosomal dominant 9 (NESCAVS). Also called: NESCAV SYNDROME; KIF1A-Related Neurodevelopmental Disorder. Identifiers: Orphanet 662367, MedGen C5393830, MONDO:0013656, OMIM 614255.

gnomAD v4.1: 6 of 1,596,828 alleles (0.00038%); highest among the groups gnomAD compares: Non-Finnish European, 0.00051%; no homozygotes.

Submission:

Labcorp Genetics (formerly Invitae), Labcorp
Classification: Uncertain significance for Hereditary spastic paraplegia 30; Neuropathy, hereditary sensory, type 2C; Intellectual disability, autosomal dominant 9. Last evaluated: 2021-02-21. Review status: criteria provided, single submitter. Criteria: Invitae Variant Classification Sherloc (09022015). Collection method: clinical testing. Allele origin: germline.
Comment: This sequence change falls in intron 44 of the KIF1A gene. It does not directly change the encoded amino acid sequence of the KIF1A protein. It affects a nucleotide within the consensus splice site of the intron. This variant is not present in population databases (ExAC no frequency). This variant has not been reported in the literature in individuals with KIF1A-related conditions. Nucleotide substitutions within the consensus splice site are a relatively common cause of aberrant splicing (PMID: 17576681, 9536098). Algorithms developed to predict the effect of sequence changes on RNA splicing suggest that this variant may disrupt the consensus splice site, but this prediction has not been confirmed by published transcriptional studies. In summary, the available evidence is currently insufficient to determine the role of this variant in disease. Therefore, it has been classified as a Variant of Uncertain Significance.

Literature cited by the submitters: PubMed 17576681; PubMed 9536098.